The following is an entry in ClinVar:

NM_000048.4(ASL):c.1290C>A (p.Tyr430Ter)

Gene: ASL (argininosuccinate lyase; plus strand). Cytogenetic location: 7q11.21.
Variant type: single nucleotide variant.
Coding change: c.1290C>A on transcript NM_000048.4 (MANE Select); coding-DNA position 1290, C replaced by A.
Protein change: p.Tyr430Ter; replaces tyrosine 430 with a stop codon.
Molecular consequence: nonsense.
Genome position (GRCh38, 1-based): chr7:66,092,807, C>A. VCF-style: chr7-66092807-C-A. GRCh37 (hg19) VCF-style: chr7-65557794-C-A.
Other names: c.1290C>A, p.Tyr430Ter (NM_001024943.2); c.1230C>A, p.Tyr410Ter (NM_001024944.2); c.1212C>A, p.Tyr404Ter (NM_001024946.2); short protein forms Y404*, Y430*, Y410*.
Identifiers: ClinVar variation 1458557 (VCV001458557.6), dbSNP rs780846396, ClinGen allele CA367652955.
Genomic context (GRCh38, chr7:66,092,807, plus strand): 5'-CACCTCTTCCTCTCTCCCCAGCCCCCTGTTCTCGGGCGACGTGATCTGCGTGTGGGACTA[C>A]GGGCACAGTGTGGAGCAGTATGGTGCCCTGGGCGGCACTGCGCGCTCCAGCGTCGACTGG-3'

ClinVar aggregate classification (germline): Pathogenic (1 of 4 stars; one submission).

Conditions:
Argininosuccinate lyase deficiency. Also called: ARGININOSUCCINIC ACID LYASE DEFICIENCY; ASL DEFICIENCY; Argininosuccinic aciduria. Identifiers: Orphanet 23, MedGen C0268547, MONDO:0008815, OMIM 207900, HP:0025630.

Submission:

Labcorp Genetics (formerly Invitae), Labcorp
Classification: Pathogenic for Argininosuccinate lyase deficiency. Last evaluated: 2021-11-17. Review status: criteria provided, single submitter. Criteria: Invitae Variant Classification Sherloc (09022015). Collection method: clinical testing. Allele origin: germline.
Comment: Studies have shown that this premature translational stop signal alters ASL gene expression (PMID: 31943503). For these reasons, this variant has been classified as Pathogenic. This variant disrupts a region of the ASL protein in which other variant(s) (p.Arg456Trp) have been determined to be pathogenic (PMID: 17326097, 19703900, 24166829, 26843370). This suggests that this is a clinically significant region of the protein, and that variants that disrupt it are likely to be disease-causing. Algorithms developed to predict the effect of sequence changes on RNA splicing suggest that this variant may create or strengthen a splice site. This premature translational stop signal has been observed in individual(s) with argininosuccinate lyase deficiency (PMID: 24166829). This variant is not present in population databases (gnomAD no frequency). This sequence change creates a premature translational stop signal (p.Tyr430*) in the ASL gene. While this is not anticipated to result in nonsense mediated decay, it is expected to disrupt the last 35 amino acid(s) of the ASL protein.

Literature cited by the submitters: PubMed 31943503; PubMed 17326097; PubMed 19703900; PubMed 24166829; PubMed 26843370.